The following is an entry in ClinVar:

ClinVar aggregate classification (germline): Likely benign (1 of 4 stars; one submission).

gnomAD v4.1: 94 of 1,411,600 alleles (0.0067%); highest among the groups gnomAD compares: East Asian, 0.045%; no homozygotes.

Submission:

CeGaT Center for Human Genetics Tuebingen
Classification: Likely benign. Last evaluated: 2025-05-01. Review status: criteria provided, single submitter. Criteria: CeGaT Center For Human Genetics Tuebingen Variant Classification Criteria Version 2. Collection method: clinical testing. Allele origin: germline. Affected: yes. Observed: 2 variant alleles.
Comment: FMN2: BP4, BP7

NM_020066.5(FMN2):c.2889C>A (p.Gly963=)

Gene: FMN2 (formin 2; plus strand). Cytogenetic location: 1q43.
Variant type: single nucleotide variant.
Coding change: c.2889C>A on transcript NM_020066.5 (MANE Select); coding-DNA position 2889, C replaced by A.
Protein change: p.Gly963=; no amino-acid change (glycine 963 retained).
Molecular consequence: synonymous variant. On other transcripts: intron variant (1).
Genome position (GRCh38, 1-based): chr1:240,207,701, C>A. VCF-style: chr1-240207701-C-A. GRCh37 (hg19) VCF-style: chr1-240371001-C-A.
Other names: c.2901C>A, p.Gly967= (NM_001305424.2); c.1986+19439C>A (NM_001348094.2).
Identifiers: ClinVar variation 3257676 (VCV003257676.17).